The following is an entry in ClinVar:

NM_014915.3(ANKRD26):c.4340T>C (p.Leu1447Pro)

Gene: ANKRD26 (ankyrin repeat domain containing 26; minus strand). Cytogenetic location: 10p12.1.
Variant type: single nucleotide variant.
Coding change: c.4340T>C on transcript NM_014915.3 (MANE Select); coding-DNA position 4340, T replaced by C.
Protein change: p.Leu1447Pro; replaces leucine 1447 with proline.
Molecular consequence: missense variant.
Genome position (GRCh38, 1-based): chr10:27,017,668, A>G on the plus strand (T>C on the coding strand, the complement: ANKRD26 is on the minus strand). VCF-style: chr10-27017668-A-G. GRCh37 (hg19) VCF-style: chr10-27306597-A-G.
Other names: c.4337T>C, p.Leu1446Pro (NM_001256053.2); short protein forms L1446P, L1447P.
Identifiers: ClinVar variation 3871241 (VCV003871241.1).

ClinVar aggregate classification (germline): Uncertain significance (1 of 4 stars; one submission).

Conditions:
Inborn genetic diseases. Identifiers: MedGen C0950123, MeSH D030342.

Submission:

Ambry Genetics
Classification: Uncertain significance for Inborn genetic diseases. Last evaluated: 2025-02-12. Review status: criteria provided, single submitter. Criteria: Ambry Variant Classification Scheme 2023. Collection method: clinical testing. Allele origin: germline.
Comment: The p.L1447P variant (also known as c.4340T>C), located in coding exon 30 of the ANKRD26 gene, results from a T to C substitution at nucleotide position 4340. The leucine at codon 1447 is replaced by proline, an amino acid with similar properties. This amino acid position is conserved. In addition, the in silico prediction for this alteration is inconclusive. Based on the available evidence, the clinical significance of this variant remains unclear.